The following is an entry in ClinVar:

ClinVar aggregate classification (germline): Uncertain significance. Review status: criteria provided, multiple submitters, no conflicts (2 of 4 stars). 2 submissions from 2 submitters: Uncertain significance (2). Last evaluated 2025-08-09.

Conditions:
Charcot-Marie-Tooth disease type 4. Also called: Charcot-Marie-Tooth, Type 4; Charcot-Marie-Tooth disease, type IV. Identifiers: Orphanet 64749, MedGen C4082197, MONDO:0018995.
Inborn genetic diseases. Identifiers: MedGen C0950123, MeSH D030342.

Allele frequency attached by ClinVar (database versions not stated): gnomAD exomes 0.00001 and 0.00002; ExAC 0.00002; gnomAD 0.00005; TOPMed 0.00005; ESP Exome Variant Server 0.00008.
gnomAD v4.1: 18 of 1,614,066 alleles (0.0011%); highest among the groups gnomAD compares: African/African-American, 0.021%; no homozygotes.

Submissions (2):

Labcorp Genetics (formerly Invitae), Labcorp
Classification: Uncertain significance for Charcot-Marie-Tooth disease type 4. Last evaluated: 2025-08-09. Review status: criteria provided, single submitter. Criteria: Invitae Variant Classification Sherloc (09022015). Collection method: clinical testing. Allele origin: germline.
Comment: This sequence change replaces threonine, which is neutral and polar, with isoleucine, which is neutral and non-polar, at codon 1253 of the SBF2 protein (p.Thr1253Ile). This variant is present in population databases (rs368392902, gnomAD 0.02%). This variant has not been reported in the literature in individuals affected with SBF2-related conditions. ClinVar contains an entry for this variant (Variation ID: 1045168). Invitae Evidence Modeling of protein sequence and biophysical properties (such as structural, functional, and spatial information, amino acid conservation, physicochemical variation, residue mobility, and thermodynamic stability) indicates that this missense variant is not expected to disrupt SBF2 protein function with a negative predictive value of 80%. In summary, the available evidence is currently insufficient to determine the role of this variant in disease. Therefore, it has been classified as a Variant of Uncertain Significance.

Ambry Genetics
Classification: Uncertain significance for Inborn genetic diseases. Last evaluated: 2024-10-19. Review status: criteria provided, single submitter. Criteria: Ambry Variant Classification Scheme 2023. Collection method: clinical testing. Allele origin: germline.

NM_030962.4(SBF2):c.3758C>T (p.Thr1253Ile)

Gene: SBF2 (SET binding factor 2; minus strand). Cytogenetic location: 11p15.4.
Variant type: single nucleotide variant.
Coding change: c.3758C>T on transcript NM_030962.4 (MANE Select); coding-DNA position 3758, C replaced by T.
Protein change: p.Thr1253Ile; replaces threonine 1253 with isoleucine.
Molecular consequence: missense variant.
Genome position (GRCh38, 1-based): chr11:9,829,391, G>A on the plus strand (C>T on the coding strand, the complement: SBF2 is on the minus strand). VCF-style: chr11-9829391-G-A. GRCh37 (hg19) VCF-style: chr11-9850938-G-A.
Other names: c.3758C>T, p.Thr1253Ile (NM_001386339.1); c.3629C>T, p.Thr1210Ile (NM_001386342.1); c.3758C>T (NM_030962.3); short protein forms T1253I, T1210I.
Identifiers: ClinVar variation 1045168 (VCV001045168.11), dbSNP rs368392902, ClinGen allele CA5881172.